The following is an entry in ClinVar:

NM_145046.5(CALR3):c.1120T>G (p.Tyr374Asp)

Gene: CALR3 (calreticulin 3; minus strand). Cytogenetic location: 19p13.11.
Variant type: single nucleotide variant.
Coding change: c.1120T>G on transcript NM_145046.5 (MANE Select); coding-DNA position 1120, T replaced by G.
Protein change: p.Tyr374Asp; replaces tyrosine 374 with aspartic acid.
Molecular consequence: missense variant.
Genome position (GRCh38, 1-based): chr19:16,479,166, A>C on the plus strand (T>G on the coding strand, the complement: CALR3 is on the minus strand). VCF-style: chr19-16479166-A-C. GRCh37 (hg19) VCF-style: chr19-16589977-A-C.
Other names: short protein forms Y374D.
Identifiers: ClinVar variation 471788 (VCV000471788.10), dbSNP rs1555775532, ClinGen allele CA404604871.
Genomic context (GRCh38, chr19:16,479,166, plus strand): 5'-TCATCCTTATATCCAATGGGGATCACTAAAGTTCATTCCTTCTGTGAAATTGATTGAAGT[A>C]ATGTTCGTGCCTGTTAATTTTTCCCGACAGCAGCTCTTCCTCCTCTTCCTCGCGGGCCTT-3'
Protein context (NP_659483.2, residues 364-384): LSGKINRHEH[Tyr374Asp]FNQFHRRNEL

ClinVar aggregate classification (germline): Uncertain significance. Review status: criteria provided, multiple submitters, no conflicts (2 of 4 stars). 2 submissions from 2 submitters: Uncertain significance (2). Last evaluated 2024-11-10.

Conditions:
Hypertrophic cardiomyopathy 19. Also called: Familial hypertrophic cardiomyopathy 19. Identifiers: MedGen CN077603, MONDO:0013476.

Allele frequency attached by ClinVar (database versions not stated): TOPMed 0.00001; gnomAD exomes below 0.00001.
gnomAD v4.1: 1 of 1,614,090 alleles (0.000062%); highest among the groups gnomAD compares: Non-Finnish European, 0.000085%; no homozygotes.

Submissions (2):

Women's Health and Genetics/Laboratory Corporation of America, LabCorp
Classification: Uncertain significance. Last evaluated: 2024-11-10. Review status: criteria provided, single submitter. Criteria: LabCorp Variant Classification Summary - May 2015. Collection method: clinical testing. Allele origin: germline.

Labcorp Genetics (formerly Invitae), Labcorp
Classification: Uncertain significance for Hypertrophic cardiomyopathy 19. Last evaluated: 2021-05-09. Review status: criteria provided, single submitter. Criteria: Invitae Variant Classification Sherloc (09022015). Collection method: clinical testing. Allele origin: germline.
Comment: This sequence change replaces tyrosine with aspartic acid at codon 374 of the CALR3 protein (p.Tyr374Asp). The tyrosine residue is weakly conserved and there is a large physicochemical difference between tyrosine and aspartic acid. This variant is not present in population databases (ExAC no frequency). In summary, this variant has uncertain impact on CALR3 function. The available evidence is currently insufficient to determine its role in disease. Therefore, it has been classified as a Variant of Uncertain Significance. Algorithms developed to predict the effect of missense changes on protein structure and function (SIFT, PolyPhen-2, Align-GVGD) all suggest that this variant is likely to be tolerated, but these predictions have not been confirmed by published functional studies and their clinical significance is uncertain. This variant has not been reported in the literature in individuals with a CALR3-related disease.